The following is an entry in ClinVar:

ClinVar aggregate classification (germline): Benign. Review status: reviewed by expert panel (3 of 4 stars). 14 submissions from 14 submitters: Benign (1). 13 of the submissions do not count toward it. Last evaluated 2025-01-02.

Conditions:
Mucopolysaccharidosis type 1. Also called: Mucopolysaccharidosis Type I; IDUA deficiency; MPS I. Identifiers: Orphanet 579, MedGen C0023786, MONDO:0001586.

Allele frequency attached by ClinVar (database versions not stated): ExAC 0.53110; ESP Exome Variant Server 0.37192; gnomAD 0.39944 and 0.39731; TOPMed 0.39892; gnomAD exomes 0.46936 and 0.42792; 1000 Genomes Project 30x 0.39101; 1000 Genomes Project 0.39257.
gnomAD v4.1: 613,849 of 1,446,924 alleles (42%); highest among the groups gnomAD compares: Admixed American, 53%; 131,904 homozygotes.

Submissions (14):

ClinGen Lysosomal Storage Disorder Variant Curation Expert Panel
Classification: Benign for Mucopolysaccharidosis type 1. Last evaluated: 2025-01-02. Review status: reviewed by expert panel. Criteria: ClinGen LSD ACMG Specifications IDUA V1.0.0. Collection method: curation. Allele origin: germline. Inheritance: Autosomal recessive inheritance.
Comment: The NM_000203.5:c.24C>A variant in IDUA is a synonymous (silent) variant (p.Ala8=). The Grpmax Filtering AF (95% confidence) in gnomAD v4.1.0 is 0.5236 in the Admixed American population. This is higher than the ClinGen Lysosomal Diseases VCEP’s threshold for BA1 (>0.005), and therefore meets this criterion (BA1). There is a ClinVar entry for this variant (Variation ID: 92638). In summary, this variant meets the criteria to be classified as benign for mucopolysaccharidosis type 1. IDUA-specific ACMG/AMP criteria applied, as specified by the ClinGen Lysosomal Diseases Variant Curation Expert Panel (Specifications Version 1.0.0): BA1. (Classification approved by the ClinGen Lysosomal Diseases Variant Curation Expert Panel on January 2, 2025)

Labcorp Genetics (formerly Invitae), Labcorp
Classification: Benign for Mucopolysaccharidosis type 1. Last evaluated: 2026-02-04. Review status: criteria provided, single submitter. Criteria: Invitae Variant Classification Sherloc (09022015). Collection method: clinical testing. Allele origin: germline. Not counted in ClinVar's aggregate classification.

Blueprint Genetics
Classification: Benign. Last evaluated: 2024-11-26. Review status: criteria provided, single submitter. Criteria: ACMG Guidelines, 2015. Collection method: clinical testing. Allele origin: germline. Not counted in ClinVar's aggregate classification.

GeneDx
Classification: Benign. Last evaluated: 2018-06-13. Review status: criteria provided, single submitter. Criteria: GeneDx Variant Classification (06012015). Collection method: clinical testing. Allele origin: germline. Affected: yes. Not counted in ClinVar's aggregate classification.
Comment: This variant is considered likely benign or benign based on one or more of the following criteria: it is a conservative change, it occurs at a poorly conserved position in the protein, it is predicted to be benign by multiple in silico algorithms, and/or has population frequency not consistent with disease.

Eurofins Ntd Llc (ga)
Classification: Benign. Last evaluated: 2018-05-25. Review status: criteria provided, single submitter. Criteria: EGL ClinVar v180209 classification definitions. Collection method: clinical testing. Allele origin: germline. Observed: 101 variant alleles, 77 heterozygotes, 24 homozygotes. Not counted in ClinVar's aggregate classification.

Illumina Laboratory Services, Illumina
Classification: Benign for Mucopolysaccharidosis type 1. Last evaluated: 2018-01-12. Review status: criteria provided, single submitter. Criteria: ICSL Variant Classification Criteria 13 December 2019. Collection method: clinical testing. Allele origin: germline. Not counted in ClinVar's aggregate classification.
Comment: This variant was observed in the ICSL laboratory as part of a predisposition screen in an ostensibly healthy population. It had not been previously curated by ICSL or reported in the Human Gene Mutation Database (HGMD: prior to June 1st, 2018), and was therefore a candidate for classification through an automated scoring system. Utilizing variant allele frequency, disease prevalence and penetrance estimates, and inheritance mode, an automated score was calculated to assess if this variant is too frequent to cause the disease. Based on the score and internal cut-off values, a variant classified as benign is not then subjected to further curation. The score for this variant resulted in a classification of benign for this disease.

Breakthrough Genomics
Classification: Benign. Review status: criteria provided, single submitter. Criteria: ACMG Guidelines, 2015. Collection method: not provided. Allele origin: germline. Inheritance: Autosomal recessive inheritance. Affected: yes. Not counted in ClinVar's aggregate classification.

PreventionGenetics, part of Exact Sciences
Classification: Benign. Review status: criteria provided, single submitter. Criteria: ACMG Guidelines, 2015. Collection method: clinical testing. Allele origin: germline. Not counted in ClinVar's aggregate classification.

Natera, Inc.
Classification: Benign for Mucopolysaccharidosis type I. Last evaluated: 2017-05-11. Review status: no assertion criteria provided. Collection method: clinical testing. Allele origin: germline. Not counted in ClinVar's aggregate classification.

Mayo Clinic Laboratories, Mayo Clinic
Classification: Benign. Last evaluated: 2015-10-23. Review status: no assertion criteria provided. Collection method: clinical testing. Allele origin: unknown. Not counted in ClinVar's aggregate classification.

Clinical Genetics DNA and cytogenetics Diagnostics Lab, Erasmus MC, Erasmus Medical Center
Classification: Benign. Review status: no assertion criteria provided. Collection method: clinical testing. Allele origin: germline. Affected: yes. Study: VKGL Data-share Consensus. Not counted in ClinVar's aggregate classification.

Clinical Genetics, Academic Medical Center
Classification: Benign. Review status: no assertion criteria provided. Collection method: clinical testing. Allele origin: germline. Affected: yes. Study: VKGL Data-share Consensus. Not counted in ClinVar's aggregate classification.

Diagnostic Laboratory, Department of Genetics, University Medical Center Groningen
Classification: Benign. Review status: no assertion criteria provided. Collection method: clinical testing. Allele origin: germline. Affected: yes. Study: VKGL Data-share Consensus. Not counted in ClinVar's aggregate classification.

Joint Genome Diagnostic Labs from Nijmegen and Maastricht, Radboudumc and MUMC+
Classification: Benign. Review status: no assertion criteria provided. Collection method: clinical testing. Allele origin: germline. Affected: yes. Study: VKGL Data-share Consensus. Not counted in ClinVar's aggregate classification.

NM_000203.5(IDUA):c.24C>A (p.Ala8=)

Genes: IDUA (alpha-L-iduronidase; plus strand), SLC26A1 (solute carrier family 26 member 1; minus strand). Cytogenetic location: 4p16.3.
Variant type: single nucleotide variant.
Coding change: c.24C>A on transcript NM_000203.5 (MANE Select); coding-DNA position 24, C replaced by A.
Protein change: p.Ala8=; no amino-acid change (alanine 8 retained).
Molecular consequence: synonymous variant. On other transcripts: non-coding transcript variant (1), intron variant (1).
Genome position (GRCh38, 1-based): chr4:987,108, C>A. VCF-style: chr4-987108-C-A. GRCh37 (hg19) VCF-style: chr4-980896-C-A.
Other names: NM_000203.5(IDUA):c.24C>A; p.Ala8_Ala9=; c.576+4020G>T (NM_134425.4).
Identifiers: ClinVar variation 92638 (VCV000092638.40), dbSNP rs11248061, ClinGen allele CA145878.